The following is an entry in ClinVar:

ClinVar aggregate classification (germline): Uncertain significance (1 of 4 stars; one submission).

Conditions:
Muscular dystrophy-dystroglycanopathy. Also called: Congenital muscular dystrophy due to dystroglycanopathy. Identifiers: Orphanet 370953, MedGen C5679911, MONDO:0018276.

Allele frequency attached by ClinVar (database versions not stated): ExAC 0.00001; gnomAD exomes below 0.00001.

Submission:

Broad Center for Mendelian Genomics, Broad Institute of MIT and Harvard
Classification: Uncertain significance for Muscular dystrophy-dystroglycanopathy. Last evaluated: 2023-01-24. Review status: criteria provided, single submitter. Criteria: ACMG Guidelines, 2015. Collection method: curation. Allele origin: germline. Inheritance: Autosomal recessive inheritance.
Comment: The c.653-2del variant in POMGNT1 has been previously reported in one individual, in the homozygous state, with POMGNT1-associated muscular dystrophy-dystroglycanopathy (PMID: 35936628), and has been identified in 0.00003% (1/30616) of South Asian chromosomes by the Genome Aggregation Database (gnomAD; dbSNP ID: rs777662154). Although this variant has been seen in the general population in a heterozygous state, its frequency is low enough to be consistent with a recessive carrier frequency. This variant is located in the 3' splice region. Computational tools predict a splicing impact, though this information is not predictive enough to determine pathogenicity. This variant is adjacent to an in-frame exon and is more likely to escape nonsense mediated decay (NMD) and result in a truncated protein. In summary, the clinical significance of the c.653-2del variant is uncertain. ACMG/AMP Criteria applied: PVS1_Moderate, PM2_Supporting, PM3_Supporting (Richards 2015).

NM_017739.4(POMGNT1):c.653-2del

Genes: POMGNT1 (protein O-linked mannose N-acetylglucosaminyltransferase 1 (beta 1,2-); minus strand), TSPAN1 (tetraspanin 1; plus strand). Cytogenetic location: 1p34.1.
Variant type: Deletion.
Coding change: c.653-2del on transcript NM_017739.4 (MANE Select); the canonical splice acceptor site of the intron before coding-DNA position 653, one base deleted (A; older notation c.653-2delA).
Molecular consequence: splice acceptor variant.
Genome position (GRCh38, 1-based): chr1:46,194,653, T deleted on the plus strand (A on the coding strand, the reverse complement: POMGNT1 is on the minus strand). VCF-style (leftmost placement, unchanged base first): chr1-46194652-CT-C. GRCh37 (hg19) VCF-style: chr1-46660324-CT-C.
Other names: NM_017739.4:c.653-2del; c.653-2del (NM_001243766.2, NM_001438686.1, NM_001438688.1 and 3 more transcripts); c.587-2del (NM_001290129.3, NM_001438691.1, NM_001438692.1); c.224-2del (NM_001290130.2).
Identifiers: ClinVar variation 2412673 (VCV002412673.1), dbSNP rs777662154, ClinGen allele CA833647.
Genomic context (GRCh38, chr1:46,194,652, plus strand): 5'-CTGGGTCCCCCCAGGAAGAGAGGGCAGGTGATTTAGAATGTTTCTCCCCGAAGACAGGAC[CT>C]GGCAGGAGGCAGGAATGAGGGCCATGGGGGCCCAGACACCAGTTTGGGGGCTTTTTCCCA-3'